The following is an entry in ClinVar:

ClinVar aggregate classification (germline): Uncertain significance (1 of 4 stars; one submission).

Submission:

GeneDx
Classification: Uncertain significance. Last evaluated: 2024-03-07. Review status: criteria provided, single submitter. Criteria: GeneDx Variant Classification Process June 2021. Collection method: clinical testing. Allele origin: germline. Affected: yes.
Comment: Not observed at significant frequency in large population cohorts (gnomAD); In silico analysis supports that this missense variant has a deleterious effect on protein structure/function; Has not been previously published as pathogenic or benign to our knowledge

NM_032119.4(ADGRV1):c.10616T>C (p.Phe3539Ser)

Gene: ADGRV1 (adhesion G protein-coupled receptor V1; plus strand). Cytogenetic location: 5q14.3.
Variant type: single nucleotide variant.
Coding change: c.10616T>C on transcript NM_032119.4 (MANE Select); coding-DNA position 10616, T replaced by C.
Protein change: p.Phe3539Ser; replaces phenylalanine 3539 with serine.
Molecular consequence: missense variant. On other transcripts: non-coding transcript variant (1).
Genome position (GRCh38, 1-based): chr5:90,745,112, T>C. VCF-style: chr5-90745112-T-C. GRCh37 (hg19) VCF-style: chr5-90040929-T-C.
Other names: short protein forms F3539S.
Identifiers: ClinVar variation 1809959 (VCV001809959.2), dbSNP rs2531538321, ClinGen allele CA360407840.